The following is an entry in ClinVar:

ClinVar aggregate classification (germline): Uncertain significance (1 of 4 stars; one submission).

Allele frequency attached by ClinVar (database versions not stated): gnomAD exomes 0.00001 and 0.00002; ExAC 0.00002.
gnomAD v4.1: 17 of 1,614,212 alleles (0.0011%); highest among the groups gnomAD compares: Admixed American, 0.0083%; no homozygotes.

Submission:

Labcorp Genetics (formerly Invitae), Labcorp
Classification: Uncertain significance. Last evaluated: 2022-07-06. Review status: criteria provided, single submitter. Criteria: Invitae Variant Classification Sherloc (09022015). Collection method: clinical testing. Allele origin: germline.
Comment: In summary, the available evidence is currently insufficient to determine the role of this variant in disease. Therefore, it has been classified as a Variant of Uncertain Significance. Algorithms developed to predict the effect of missense changes on protein structure and function are either unavailable or do not agree on the potential impact of this missense change (SIFT: "Deleterious"; PolyPhen-2: "Benign"; Align-GVGD: "Class C0"). ClinVar contains an entry for this variant (Variation ID: 1351558). This variant has not been reported in the literature in individuals affected with C2CD3-related conditions. This variant is present in population databases (rs756063516, gnomAD 0.009%). This sequence change replaces serine, which is neutral and polar, with cysteine, which is neutral and slightly polar, at codon 1560 of the C2CD3 protein (p.Ser1560Cys).

NM_001286577.2(C2CD3):c.4679C>G (p.Ser1560Cys)

Gene: C2CD3 (C2 domain containing 3 centriole elongation regulator; minus strand). Cytogenetic location: 11q13.4.
Variant type: single nucleotide variant.
Coding change: c.4679C>G on transcript NM_001286577.2 (MANE Select); coding-DNA position 4679, C replaced by G.
Protein change: p.Ser1560Cys; replaces serine 1560 with cysteine.
Molecular consequence: missense variant.
Genome position (GRCh38, 1-based): chr11:74,074,525, G>C on the plus strand (C>G on the coding strand, the complement: C2CD3 is on the minus strand). VCF-style: chr11-74074525-G-C. GRCh37 (hg19) VCF-style: chr11-73785570-G-C.
Other names: c.4679C>G, p.Ser1560Cys (NM_015531.6); short protein forms S1560C.
Identifiers: ClinVar variation 1351558 (VCV001351558.8), dbSNP rs756063516, ClinGen allele CA6182085.